The following is an entry in ClinVar:

NM_000535.7(PMS2):c.680T>G (p.Ile227Ser)

Gene: PMS2 (PMS1 homolog 2, mismatch repair system component; minus strand). Cytogenetic location: 7p22.1.
Variant type: single nucleotide variant.
Coding change: c.680T>G on transcript NM_000535.7 (MANE Select); coding-DNA position 680, T replaced by G.
Protein change: p.Ile227Ser; replaces isoleucine 227 with serine.
Molecular consequence: missense variant. On other transcripts: 5 prime UTR variant (2), non-coding transcript variant (1), intron variant (1).
Genome position (GRCh38, 1-based): chr7:5,999,133, A>C on the plus strand (T>G on the coding strand, the complement: PMS2 is on the minus strand). VCF-style: chr7-5999133-A-C. GRCh37 (hg19) VCF-style: chr7-6038764-A-C.
Other names: c.275T>G, p.Ile92Ser (NM_001322003.2, NM_001322004.2, NM_001322005.2 and 2 more transcripts); c.680T>G, p.Ile227Ser (NM_001322006.2, NM_001322014.2); c.362T>G, p.Ile121Ser (NM_001322007.2, NM_001322008.2); c.-254T>G (NM_001322011.2, NM_001322012.2); c.371T>G, p.Ile124Ser (NM_001322015.2); c.133-1710T>G (NM_001322013.2); short protein forms I124S, I227S, I121S, I92S.
Identifiers: ClinVar variation 826636 (VCV000826636.8), dbSNP rs1583385976, ClinGen allele CA366743857.

ClinVar aggregate classification (germline): Uncertain significance. Review status: criteria provided, multiple submitters, no conflicts (2 of 4 stars). 2 submissions from 2 submitters: Uncertain significance (2). Last evaluated 2025-11-03.

Conditions:
Hereditary nonpolyposis colorectal neoplasms. Identifiers: MedGen C0009405, MeSH D003123.
Hereditary cancer-predisposing syndrome. Also called: Neoplastic Syndromes, Hereditary; Tumor predisposition; Hereditary neoplastic syndrome; Hereditary Cancer Syndrome. Identifiers: Orphanet 140162, MedGen C0027672, MeSH D009386, MONDO:0015356.

Allele frequency attached by ClinVar (database versions not stated): gnomAD exomes below 0.00001.
gnomAD v4.1: 1 of 1,614,134 alleles (0.000062%); highest among the groups gnomAD compares: South Asian, 0.0011%; no homozygotes.

Submissions (2):

Labcorp Genetics (formerly Invitae), Labcorp
Classification: Uncertain significance for Hereditary nonpolyposis colorectal neoplasms. Last evaluated: 2025-11-03. Review status: criteria provided, single submitter. Criteria: Invitae Variant Classification Sherloc (09022015). Collection method: clinical testing. Allele origin: germline.
Comment: This sequence change replaces isoleucine, which is neutral and non-polar, with serine, which is neutral and polar, at codon 227 of the PMS2 protein (p.Ile227Ser). This variant is not present in population databases (gnomAD no frequency). This variant has not been reported in the literature in individuals affected with PMS2-related conditions. ClinVar contains an entry for this variant (Variation ID: 826636). Invitae Evidence Modeling incorporating data from in vitro experimental studies (internal data) indicates that this missense variant is not expected to disrupt PMS2 function with a negative predictive value of 95%. In summary, the available evidence is currently insufficient to determine the role of this variant in disease. Therefore, it has been classified as a Variant of Uncertain Significance.

Ambry Genetics
Classification: Uncertain significance for Hereditary cancer-predisposing syndrome. Last evaluated: 2024-11-14. Review status: criteria provided, single submitter. Criteria: Ambry Variant Classification Scheme 2023. Collection method: clinical testing. Allele origin: germline.
Comment: The p.I227S variant (also known as c.680T>G), located in coding exon 6 of the PMS2 gene, results from a T to G substitution at nucleotide position 680. The isoleucine at codon 227 is replaced by serine, an amino acid with dissimilar properties. This amino acid position is highly conserved in available vertebrate species. In addition, this alteration is predicted to be deleterious by in silico analysis. Based on the available evidence, the clinical significance of this variant remains unclear.